The following is an entry in ClinVar:

NM_001042492.3(NF1):c.6035A>G (p.Asp2012Gly)

Gene: NF1 (neurofibromin 1; plus strand). Cytogenetic location: 17q11.2.
Variant type: single nucleotide variant.
Coding change: c.6035A>G on transcript NM_001042492.3 (MANE Select); coding-DNA position 6035, A replaced by G.
Protein change: p.Asp2012Gly; replaces aspartic acid 2012 with glycine.
Molecular consequence: missense variant.
Genome position (GRCh38, 1-based): chr17:31,336,361, A>G. VCF-style: chr17-31336361-A-G. GRCh37 (hg19) VCF-style: chr17-29663379-A-G.
Other names: c.5972A>G, p.Asp1991Gly (NM_000267.4); short protein forms D1991G, D2012G.
Identifiers: ClinVar variation 4860898 (VCV004860898.1).

ClinVar aggregate classification (germline): Uncertain significance (1 of 4 stars; one submission).

Conditions:
Cardiovascular phenotype. Identifiers: MedGen CN230736.
Hereditary cancer-predisposing syndrome. Also called: Neoplastic Syndromes, Hereditary; Tumor predisposition; Hereditary Cancer Syndrome; Hereditary neoplastic syndrome. Identifiers: Orphanet 140162, MedGen C0027672, MeSH D009386, MONDO:0015356.

Submission:

Ambry Genetics
Classification: Uncertain significance for Cardiovascular phenotype; Hereditary cancer-predisposing syndrome. Last evaluated: 2026-04-07. Review status: criteria provided, single submitter. Criteria: Ambry Variant Classification Scheme 2023. Collection method: clinical testing. Allele origin: germline.
Comment: The p.D1991G variant (also known as c.5972A>G), located in coding exon 40 of the NF1 gene, results from an A to G substitution at nucleotide position 5972. The aspartic acid at codon 1991 is replaced by glycine, an amino acid with similar properties. This amino acid position is highly conserved in available vertebrate species. In addition, this alteration is predicted to be deleterious by in silico analysis. Based on the available evidence, the clinical significance of this variant remains unclear.